The following is an entry in ClinVar:

ClinVar aggregate classification (germline): Benign/Likely benign. Review status: criteria provided, multiple submitters, no conflicts (2 of 4 stars). 6 submissions from 6 submitters: Benign (1); Likely benign (4). 1 of the submissions does not count toward it. Last evaluated 2025-11-05.

Conditions:
Hereditary cancer-predisposing syndrome. Also called: Hereditary Cancer Syndrome; Hereditary neoplastic syndrome; Tumor predisposition; Neoplastic Syndromes, Hereditary. Identifiers: Orphanet 140162, MedGen C0027672, MeSH D009386, MONDO:0015356.
Familial medullary thyroid carcinoma (MTC). Also called: Familial Medullary Thyroid Carcinoma (FMTC); Thyroid cancer, familial medullary; MTC, familial. Identifiers: Orphanet 653, Orphanet 99361, MedGen C1833921, MONDO:0007958, OMIM 155240.
Pheochromocytoma. Also called: MAX-Related Hereditary Paraganglioma-Pheochromocytoma Syndrome. Identifiers: Orphanet 29072, MedGen C0031511, MONDO:0008233, OMIM 171300, HP:0002666.
Multiple endocrine neoplasia type 2A. Also called: Multiple Endocrine Neoplasia Type 2A (MEN2A); MULTIPLE ENDOCRINE NEOPLASIA, TYPE IIA; PTC SYNDROME; SIPPLE SYNDROME; MEN 2A; MEN-2A syndrome. Identifiers: Orphanet 247698, Orphanet 653, MedGen C0025268, MeSH D018813, MONDO:0008234, OMIM 171400.
Hirschsprung disease, susceptibility to, 1 (HSCR1). Also called: RET-Related Hirschsprung Disease. Identifiers: Orphanet 388, MedGen C3888239, MONDO:0007723, OMIM 142623.
Multiple endocrine neoplasia type 2B. Also called: WAGENMANN-FROBOESE SYNDROME; MULTIPLE ENDOCRINE NEOPLASIA, TYPE III; MUCOSAL NEUROMA SYNDROME; Multiple Endocrine Neoplasia Type 2B (MEN2B); Multiple endocrine neoplasia, type 3; MULTIPLE ENDOCRINE NEOPLASIA, TYPE IIB. Identifiers: Orphanet 247709, Orphanet 653, MedGen C0025269, MeSH D018814, MONDO:0008082, OMIM 162300.
RET-related disorder. Also called: RET-related disorders; RET-related condition; RET-related disease.
Multiple endocrine neoplasia, type 2 (MEN2). Identifiers: Orphanet 653, MedGen C4048306, MONDO:0019003. Disease mechanism: gain of function.

Allele frequency attached by ClinVar (database versions not stated): gnomAD 0.00001 and 0.00004; TOPMed 0.00004; ESP Exome Variant Server 0.00008; gnomAD exomes 0.00008 and 0.00012; ExAC 0.00010.
gnomAD v4.1: 127 of 1,613,272 alleles (0.0079%); highest among the groups gnomAD compares: South Asian, 0.1%; 2 homozygotes.

Submissions (6):

Labcorp Genetics (formerly Invitae), Labcorp
Classification: Likely benign for Multiple endocrine neoplasia, type 2. Last evaluated: 2025-11-05. Review status: criteria provided, single submitter. Criteria: Invitae Variant Classification Sherloc (09022015). Collection method: clinical testing. Allele origin: germline.

Color Diagnostics, LLC DBA Color Health
Classification: Likely benign for Multiple endocrine neoplasia, type 2. Last evaluated: 2024-01-29. Review status: criteria provided, single submitter. Criteria: ACMG Guidelines, 2015. Collection method: clinical testing. Allele origin: germline.

CeGaT Center for Human Genetics Tuebingen
Classification: Likely benign. Last evaluated: 2022-03-01. Review status: criteria provided, single submitter. Criteria: CeGaT Center For Human Genetics Tuebingen Variant Classification Criteria Version 2. Collection method: clinical testing. Allele origin: germline. Affected: yes. Observed: 1 variant allele.

Fulgent Genetics
Classification: Benign for Hirschsprung disease, susceptibility to, 1; Familial medullary thyroid carcinoma; Multiple endocrine neoplasia type 2B; Pheochromocytoma; Multiple endocrine neoplasia type 2A. Last evaluated: 2021-07-13. Review status: criteria provided, single submitter. Criteria: ACMG Guidelines, 2015. Collection method: clinical testing. Allele origin: unknown.

Ambry Genetics
Classification: Likely benign for Hereditary cancer-predisposing syndrome. Last evaluated: 2019-05-23. Review status: criteria provided, single submitter. Criteria: Ambry Variant Classification Scheme 2023. Collection method: clinical testing. Allele origin: germline.

PreventionGenetics, part of Exact Sciences
Classification: Likely benign for RET-related condition. Last evaluated: 2024-04-23. Review status: no assertion criteria provided. Collection method: clinical testing. Allele origin: germline. Not counted in ClinVar's aggregate classification.
Comment: This variant is classified as likely benign based on ACMG/AMP sequence variant interpretation guidelines (Richards et al. 2015 PMID: 25741868, with internal and published modifications).

NM_020975.6(RET):c.2268C>T (p.Ala756=)

Gene: RET (ret proto-oncogene; plus strand). Cytogenetic location: 10q11.21.
Variant type: single nucleotide variant.
Coding change: c.2268C>T on transcript NM_020975.6 (MANE Select); coding-DNA position 2268, C replaced by T.
Protein change: p.Ala756=; no amino-acid change (alanine 756 retained).
Molecular consequence: synonymous variant.
Genome position (GRCh38, 1-based): chr10:43,116,715, C>T. VCF-style: chr10-43116715-C-T. GRCh37 (hg19) VCF-style: chr10-43612163-C-T.
Other names: c.2268C>T, p.Ala756= (NM_000323.2, NM_001406743.1, NM_001406744.1 and 4 more transcripts); c.1506C>T, p.Ala502= (NM_001355216.2); c.2139C>T, p.Ala713= (NM_001406761.1, NM_001406762.1, NM_001406764.1); c.2133C>T, p.Ala711= (NM_001406763.1, NM_001406765.1); c.1980C>T, p.Ala660= (NM_001406766.1, NM_001406767.1, NM_001406770.1); c.2004C>T, p.Ala668= (NM_001406768.1); c.1872C>T, p.Ala624= (NM_001406769.1, NM_001406772.1); c.1830C>T, p.Ala610= (NM_001406771.1, NM_001406773.1); and 10 more.
Identifiers: ClinVar variation 477342 (VCV000477342.51), dbSNP rs370791179, ClinGen allele CA038107.